The following is an entry in ClinVar:

ClinVar aggregate classification (germline): Conflicting classifications of pathogenicity. Review status: criteria provided, conflicting classifications (1 of 4 stars). 2 submissions from 2 submitters: Uncertain significance (1); Likely benign (1). Last evaluated 2025-05-27.

Allele frequency attached by ClinVar (database versions not stated): gnomAD 0.00012; ExAC 0.00005; gnomAD exomes 0.00021; ESP Exome Variant Server 0.00023; TOPMed 0.00008.

Submissions (2):

Ambry Genetics
Classification: Likely benign. Last evaluated: 2025-05-27. Review status: criteria provided, single submitter. Criteria: Ambry Variant Classification Scheme 2023. Collection method: clinical testing. Allele origin: germline.

Labcorp Genetics (formerly Invitae), Labcorp
Classification: Uncertain significance. Last evaluated: 2024-05-27. Review status: criteria provided, single submitter. Criteria: Invitae Variant Classification Sherloc (09022015). Collection method: clinical testing. Allele origin: germline.
Comment: This sequence change replaces aspartic acid, which is acidic and polar, with glutamic acid, which is acidic and polar, at codon 711 of the ATRIP protein (p.Asp711Glu). This variant is present in population databases (rs371594330, gnomAD 0.01%). This variant has not been reported in the literature in individuals affected with ATRIP-related conditions. ClinVar contains an entry for this variant (Variation ID: 2084758). Algorithms developed to predict the effect of missense changes on protein structure and function output the following: SIFT: "Not Available"; PolyPhen-2: "Benign"; Align-GVGD: "Not Available". The glutamic acid amino acid residue is found in multiple mammalian species, which suggests that this missense change does not adversely affect protein function. In summary, the available evidence is currently insufficient to determine the role of this variant in disease. Therefore, it has been classified as a Variant of Uncertain Significance.

NM_130384.3(ATRIP):c.2133C>G (p.Asp711Glu)

Genes: ATRIP (ATR interacting protein; plus strand), ATRIP-TREX1 (ATRIP-TREX1 readthrough; plus strand). Cytogenetic location: 3p21.31.
Variant type: single nucleotide variant.
Coding change: c.2133C>G on transcript NM_130384.3 (MANE Select); coding-DNA position 2133, C replaced by G.
Protein change: p.Asp711Glu; replaces aspartic acid 711 with glutamic acid.
Molecular consequence: missense variant. On other transcripts: non-coding transcript variant (1).
Genome position (GRCh38, 1-based): chr3:48,464,908, C>G. VCF-style: chr3-48464908-C-G. GRCh37 (hg19) VCF-style: chr3-48506307-C-G.
Other names: c.1752C>G, p.Asp584Glu (NM_001271022.2); c.1854C>G, p.Asp618Glu (NM_001271023.2); c.2052C>G, p.Asp684Glu (NM_032166.4); c.2133C>G (NM_130384.1); short protein forms D684E, D584E, D618E, D711E.
Identifiers: ClinVar variation 2084758 (VCV002084758.5), dbSNP rs371594330, ClinGen allele CA2376409.